The following is an entry in ClinVar:

NM_033100.4(CDHR1):c.1877C>G (p.Thr626Arg)

Gene: CDHR1 (cadherin related family member 1; plus strand). Cytogenetic location: 10q23.1.
Variant type: single nucleotide variant.
Coding change: c.1877C>G on transcript NM_033100.4 (MANE Select); coding-DNA position 1877, C replaced by G.
Protein change: p.Thr626Arg; replaces threonine 626 with arginine.
Molecular consequence: missense variant.
Genome position (GRCh38, 1-based): chr10:84,213,185, C>G. VCF-style: chr10-84213185-C-G. GRCh37 (hg19) VCF-style: chr10-85972941-C-G.
Other names: c.1877C>G, p.Thr626Arg (NM_001171971.3); short protein forms T626R.
Identifiers: ClinVar variation 3632672 (VCV003632672.3).

ClinVar aggregate classification (germline): Uncertain significance. Review status: criteria provided, multiple submitters, no conflicts (2 of 4 stars). 2 submissions from 2 submitters: Uncertain significance (2). Last evaluated 2024-07-10.

gnomAD v4.1: 1 of 1,614,252 alleles (0.000062%); highest among the groups gnomAD compares: Non-Finnish European, 0.000085%; no homozygotes.

Submissions (2):

Labcorp Genetics (formerly Invitae), Labcorp
Classification: Uncertain significance. Last evaluated: 2024-07-10. Review status: criteria provided, single submitter. Criteria: Invitae Variant Classification Sherloc (09022015). Collection method: clinical testing. Allele origin: germline.
Comment: This sequence change replaces threonine, which is neutral and polar, with arginine, which is basic and polar, at codon 626 of the CDHR1 protein (p.Thr626Arg). This variant is not present in population databases (gnomAD no frequency). This variant has not been reported in the literature in individuals affected with CDHR1-related conditions. Advanced modeling of protein sequence and biophysical properties (such as structural, functional, and spatial information, amino acid conservation, physicochemical variation, residue mobility, and thermodynamic stability) has been performed at Invitae for this missense variant, however the output from this modeling did not meet the statistical confidence thresholds required to predict the impact of this variant on CDHR1 protein function. In summary, the available evidence is currently insufficient to determine the role of this variant in disease. Therefore, it has been classified as a Variant of Uncertain Significance.

Blueprint Genetics
Classification: Uncertain significance. Last evaluated: 2018-07-31. Review status: criteria provided, single submitter. Criteria: ACMG Guidelines, 2015. Collection method: clinical testing. Allele origin: germline.